The following is an entry in ClinVar:

NM_153006.3(NAGS):c.1268+1G>A

Gene: NAGS (N-acetylglutamate synthase; plus strand). Cytogenetic location: 17q21.31.
Variant type: single nucleotide variant.
Coding change: c.1268+1G>A on transcript NM_153006.3 (MANE Select); the canonical splice donor site of the intron after coding-DNA position 1268, G replaced by A.
Molecular consequence: splice donor variant.
Genome position (GRCh38, 1-based): chr17:44,007,495, G>A. VCF-style: chr17-44007495-G-A. GRCh37 (hg19) VCF-style: chr17-42084863-G-A.
Identifiers: ClinVar variation 647331 (VCV000647331.7), dbSNP rs1597866317, ClinGen allele CA399727230.

ClinVar aggregate classification (germline): Likely pathogenic (1 of 4 stars; one submission).

Conditions:
Hyperammonemia, type III (NAGSD). Also called: Hyperammonemia due to N-acetylglutamate synthase deficiency. Identifiers: Orphanet 927, MedGen C0268543, MONDO:0009377, OMIM 237310.

Submission:

Labcorp Genetics (formerly Invitae), Labcorp
Classification: Likely pathogenic for Hyperammonemia, type III. Last evaluated: 2018-11-04. Review status: criteria provided, single submitter. Criteria: Invitae Variant Classification Sherloc (09022015). Collection method: clinical testing. Allele origin: germline.
Comment: In summary, the currently available evidence indicates that the variant is pathogenic, but additional data are needed to prove that conclusively. Therefore, this variant has been classified as Likely Pathogenic. Donor and acceptor splice site variants typically lead to a loss of protein function (PMID: 16199547), and loss-of-function variants in NAGS are known to be pathogenic (PMID: 12594532). Algorithms developed to predict the effect of sequence changes on RNA splicing suggest that this variant may disrupt the consensus splice site, but this prediction has not been confirmed by published transcriptional studies. This variant has not been reported in the literature in individuals with NAGS-related disease. This variant is not present in population databases (ExAC no frequency). This sequence change affects a donor splice site in intron 5 of the NAGS gene. It is expected to disrupt RNA splicing and likely results in an absent or disrupted protein product.

Literature cited by the submitters: PubMed 16199547; PubMed 12594532.